The following is an entry in ClinVar:

NM_018180.3(DHX32):c.2209G>C (p.Glu737Gln)

Genes: BCCIP (BRCA2 and CDKN1A interacting protein; plus strand), DHX32 (DEAH-box helicase 32 (putative); minus strand). Cytogenetic location: 10q26.2.
Variant type: single nucleotide variant.
Coding change: c.2209G>C on transcript NM_018180.3 (MANE Select); coding-DNA position 2209, G replaced by C.
Protein change: p.Glu737Gln; replaces glutamic acid 737 with glutamine.
Molecular consequence: missense variant. On other transcripts: intron variant (2).
Genome position (GRCh38, 1-based): chr10:125,836,710, C>G on the plus strand (G>C on the coding strand, the complement: DHX32 is on the minus strand). VCF-style: chr10-125836710-C-G. GRCh37 (hg19) VCF-style: chr10-127525279-C-G.
Other names: c.774+2764C>G (NM_016567.4, NM_078469.3); short protein forms E737Q.
Identifiers: ClinVar variation 1363090 (VCV001363090.8), dbSNP rs368995976, ClinGen allele CA5738936.
Genomic context (GRCh38, chr10:125,836,710, plus strand): 5'-CTTTGGGACCCTGCTGCACCTTGTGTTTGCTGGGGAGTCACTGGAGAGTGCATCTCTGTT[C>G]AGTTTCAGGGCACGTCTCACACATTTGCTGTTCCTTATTCATTGTTGACACAGGGGATAG-3'
Protein context (NP_060650.2, residues 727-743): QQMCETCPET[Glu737Gln]QRCTLQ

ClinVar aggregate classification (germline): Uncertain significance. Review status: criteria provided, multiple submitters, no conflicts (2 of 4 stars). 2 submissions from 2 submitters: Uncertain significance (2). Last evaluated 2025-09-15.

Allele frequency attached by ClinVar (database versions not stated): TOPMed 0.00041; gnomAD exomes 0.00003 and 0.00008; ExAC 0.00012; gnomAD 0.00036 and 0.00040; ESP Exome Variant Server 0.00023.
gnomAD v4.1: 93 of 1,614,032 alleles (0.0058%); highest among the groups gnomAD compares: African/African-American, 0.12%; no homozygotes.

Submissions (2):

Labcorp Genetics (formerly Invitae), Labcorp
Classification: Uncertain significance. Last evaluated: 2025-09-15. Review status: criteria provided, single submitter. Criteria: Invitae Variant Classification Sherloc (09022015). Collection method: clinical testing. Allele origin: germline.
Comment: This sequence change replaces glutamic acid, which is acidic and polar, with glutamine, which is neutral and polar, at codon 737 of the DHX32 protein (p.Glu737Gln). This variant is present in population databases (rs368995976, gnomAD 0.1%), and has an allele count higher than expected for a pathogenic variant. This variant has not been reported in the literature in individuals affected with DHX32-related conditions. ClinVar contains an entry for this variant (Variation ID: 1363090). An algorithm developed to predict the effect of missense changes on protein structure and function (PolyPhen-2) suggests that this variant is likely to be tolerated. In summary, the available evidence is currently insufficient to determine the role of this variant in disease. Therefore, it has been classified as a Variant of Uncertain Significance.

Ambry Genetics
Classification: Uncertain significance. Last evaluated: 2025-08-14. Review status: criteria provided, single submitter. Criteria: Ambry Variant Classification Scheme 2023. Collection method: clinical testing. Allele origin: germline.